The following is an entry in ClinVar:

ClinVar aggregate classification (germline): Pathogenic. Review status: criteria provided, multiple submitters, no conflicts (2 of 4 stars). 2 submissions from 2 submitters: Pathogenic (2). Last evaluated 2023-12-12.

Conditions:
Hereditary cancer-predisposing syndrome. Also called: Neoplastic Syndromes, Hereditary; Hereditary Cancer Syndrome; Hereditary neoplastic syndrome; Tumor predisposition. Identifiers: Orphanet 140162, MedGen C0027672, MeSH D009386, MONDO:0015356.
Hereditary breast ovarian cancer syndrome. Also called: Hereditary breast and ovarian cancer syndrome; BRCA1- and BRCA2-Associated Hereditary Breast and Ovarian Cancer; Hereditary breast and ovarian cancer; Hereditary breast and/or ovarian cancer syndrome; Hereditary breast and ovarian cancer syndrome (HBOC); Breast and ovarian cancer. Identifiers: Orphanet 145, MedGen C0677776, MeSH D061325, MONDO:0003582. Disease mechanism: loss of function.

Submissions (2):

Labcorp Genetics (formerly Invitae), Labcorp
Classification: Pathogenic for Hereditary breast ovarian cancer syndrome. Last evaluated: 2023-12-12. Review status: criteria provided, single submitter. Criteria: Invitae Variant Classification Sherloc (09022015). Collection method: clinical testing. Allele origin: germline.
Comment: This sequence change creates a premature translational stop signal (p.His1101Ilefs*3) in the BRCA2 gene. It is expected to result in an absent or disrupted protein product. Loss-of-function variants in BRCA2 are known to be pathogenic (PMID: 20104584). This variant is not present in population databases (gnomAD no frequency). This variant has not been reported in the literature in individuals affected with BRCA2-related conditions. ClinVar contains an entry for this variant (Variation ID: 2109110). For these reasons, this variant has been classified as Pathogenic.

Ambry Genetics
Classification: Pathogenic for Hereditary cancer-predisposing syndrome. Last evaluated: 2022-12-02. Review status: criteria provided, single submitter. Criteria: Ambry Variant Classification Scheme 2023. Collection method: clinical testing. Allele origin: germline.
Comment: The c.3301delC pathogenic mutation, located in coding exon 10 of the BRCA2 gene, results from a deletion of one nucleotide at nucleotide position 3301, causing a translational frameshift with a predicted alternate stop codon (p.H1101Ifs*3). This variant is considered to be rare based on population cohorts in the Genome Aggregation Database (gnomAD). This alteration is expected to result in loss of function by premature protein truncation or nonsense-mediated mRNA decay. As such, this alteration is interpreted as a disease-causing mutation.

Literature cited by the submitters: PubMed 20104584 (cited by Labcorp Genetics (formerly Invitae), Labcorp).

NM_000059.4(BRCA2):c.3301del (p.His1101fs)

Gene: BRCA2 (BRCA2 DNA repair associated; plus strand). Cytogenetic location: 13q13.1.
Variant type: Deletion.
Coding change: c.3301del on transcript NM_000059.4 (MANE Select); coding-DNA position 3301, one base deleted (C; older notation c.3301delC).
Protein change: p.His1101fs; shifts the reading frame from histidine 1101.
Molecular consequence: frameshift variant.
Genome position (GRCh38, 1-based): chr13:32,337,656, C deleted; the last of 2 consecutive C bases (chr13:32,337,655-32,337,656); deleting either gives the same sequence. VCF-style (leftmost placement, unchanged base first): chr13-32337654-AC-A. GRCh37 (hg19) VCF-style: chr13-32911791-AC-A.
Other names: c.3301delC, p.His1101Ilefs (NM_001406719.1, NM_001406720.1); short protein forms H1101fs.
Identifiers: ClinVar variation 2109110 (VCV002109110.6), dbSNP rs2548525627, ClinGen allele CA2580087061.
Genomic context (GRCh38, chr13:32,337,654, plus strand): 5'-ATTGTAAAAATAGTCATATAACCCCTCAGATGTTATTTTCCAAGCAGGATTTTAATTCAA[AC>A]CATAATTTAACACCTAGCCAAAAGGCAGAAATTACAGAACTTTCTACTATATTAGAAGAA-3'